The following is an entry in ClinVar:

ClinVar aggregate classification (germline): Uncertain significance (1 of 4 stars; one submission).

Conditions:
Acute myeloid leukemia (AML). Also called: Leukemia, acute myeloid, somatic; Leukemia, acute myelogenous, somatic; Acute myeloid leukemia, adult; AML adult; Acute non-lymphocytic leukemia; Acute granulocytic leukemia. Identifiers: Orphanet 519, MedGen C0023467, MeSH D015470, MONDO:0018874, OMIM 601626, HP:0004808. Disease mechanism: Constitutively activated FLT3.

Submission:

Labcorp Genetics (formerly Invitae), Labcorp
Classification: Uncertain significance for Acute myeloid leukemia. Last evaluated: 2021-08-24. Review status: criteria provided, single submitter. Criteria: Invitae Variant Classification Sherloc (09022015). Collection method: clinical testing. Allele origin: germline.
Comment: This sequence change replaces phenylalanine with leucine at codon 208 of the CEBPA protein (p.Phe208Leu). The phenylalanine residue is weakly conserved and there is a small physicochemical difference between phenylalanine and leucine. The frequency data for this variant in the population databases is considered unreliable, as metrics indicate insufficient coverage at this position in the ExAC database. This variant has not been reported in the literature in individuals affected with CEBPA-related conditions. Algorithms developed to predict the effect of missense changes on protein structure and function (SIFT, PolyPhen-2, Align-GVGD) all suggest that this variant is likely to be tolerated. In summary, the available evidence is currently insufficient to determine the role of this variant in disease. Therefore, it has been classified as a Variant of Uncertain Significance.

NM_004364.5(CEBPA):c.624C>A (p.Phe208Leu)

Gene: CEBPA (CCAAT enhancer binding protein alpha; minus strand). Cytogenetic location: 19q13.11.
Variant type: single nucleotide variant.
Coding change: c.624C>A on transcript NM_004364.5 (MANE Select); coding-DNA position 624, C replaced by A.
Protein change: p.Phe208Leu; replaces phenylalanine 208 with leucine.
Molecular consequence: missense variant.
Genome position (GRCh38, 1-based): chr19:33,301,791, G>T on the plus strand (C>A on the coding strand, the complement: CEBPA is on the minus strand). VCF-style: chr19-33301791-G-T. GRCh37 (hg19) VCF-style: chr19-33792697-G-T.
Other names: c.267C>A, p.Phe89Leu (NM_001285829.2); c.729C>A, p.Phe243Leu (NM_001287424.2); c.582C>A, p.Phe194Leu (NM_001287435.2); short protein forms F194L, F208L, F89L, F243L.
Identifiers: ClinVar variation 1470420 (VCV001470420.6), dbSNP rs2145260930, ClinGen allele CA405274557.